The following is an entry in ClinVar:

NM_002474.3(MYH11):c.2059-189G>A

Gene: MYH11 (myosin heavy chain 11; minus strand). Cytogenetic location: 16p13.11.
Variant type: single nucleotide variant.
Coding change: c.2059-189G>A on transcript NM_002474.3 (MANE Select); 189 bases into the intron before coding-DNA position 2059, G replaced by A.
Molecular consequence: intron variant.
Genome position (GRCh38, 1-based): chr16:15,748,357, C>T on the plus strand (G>A on the coding strand, the complement: MYH11 is on the minus strand). VCF-style: chr16-15748357-C-T. GRCh37 (hg19) VCF-style: chr16-15842214-C-T.
Other names: c.2059-189G>A (NM_022844.3); c.2080-189G>A (NM_001040114.2, NM_001040113.2).
Identifiers: ClinVar variation 675275 (VCV000675275.1), dbSNP rs76775411, ClinGen allele CA14262654.

ClinVar aggregate classification (germline): Likely benign (1 of 4 stars; one submission).

Allele frequency attached by ClinVar (database versions not stated): 1000 Genomes Project 30x 0.02295; TOPMed 0.02316; 1000 Genomes Project 0.02356; gnomAD 0.02477 and 0.02572.
gnomAD v4.1: 3,977 of 152,298 alleles (2.6%); highest among the groups gnomAD compares: South Asian, 7.1%; 79 homozygotes.

Submission:

GeneDx
Classification: Likely benign. Last evaluated: 2018-06-14. Review status: criteria provided, single submitter. Criteria: GeneDx Variant Classification (06012015). Collection method: clinical testing. Allele origin: germline. Affected: yes.
Comment: This variant is considered likely benign or benign based on one or more of the following criteria: it is a conservative change, it occurs at a poorly conserved position in the protein, it is predicted to be benign by multiple in silico algorithms, and/or has population frequency not consistent with disease.